The following is an entry in ClinVar:

ClinVar aggregate classification (germline): Uncertain significance (1 of 4 stars; one submission).

Conditions:
Short-rib thoracic dysplasia 13 with or without polydactyly (SRTD13). Identifiers: Orphanet 474, MedGen C4225378, MONDO:0014577, OMIM 616300.

Allele frequency attached by ClinVar (database versions not stated): gnomAD exomes below 0.00001; ExAC 0.00002; gnomAD 0.00002; TOPMed 0.00002.
gnomAD v4.1: 5 of 1,606,912 alleles (0.00031%); highest among the groups gnomAD compares: Admixed American, 0.0087%; no homozygotes.

Submission:

Labcorp Genetics (formerly Invitae), Labcorp
Classification: Uncertain significance for Short-rib thoracic dysplasia 13 with or without polydactyly. Last evaluated: 2021-11-21. Review status: criteria provided, single submitter. Criteria: Invitae Variant Classification Sherloc (09022015). Collection method: clinical testing. Allele origin: germline.
Comment: In summary, the available evidence is currently insufficient to determine the role of this variant in disease. Therefore, it has been classified as a Variant of Uncertain Significance. This sequence change replaces aspartic acid, which is acidic and polar, with glutamic acid, which is acidic and polar, at codon 753 of the CEP120 protein (p.Asp753Glu). This variant is present in population databases (rs771949596, gnomAD 0.003%). This variant has not been reported in the literature in individuals affected with CEP120-related conditions. Algorithms developed to predict the effect of missense changes on protein structure and function (SIFT, PolyPhen-2, Align-GVGD) all suggest that this variant is likely to be tolerated.

NM_001375405.1(CEP120):c.2259C>A (p.Asp753Glu)

Gene: CEP120 (centrosomal protein 120; minus strand). Cytogenetic location: 5q23.2.
Variant type: single nucleotide variant.
Coding change: c.2259C>A on transcript NM_001375405.1 (MANE Select); coding-DNA position 2259, C replaced by A.
Protein change: p.Asp753Glu; replaces aspartic acid 753 with glutamic acid.
Molecular consequence: missense variant. On other transcripts: non-coding transcript variant (1).
Genome position (GRCh38, 1-based): chr5:123,377,473, G>T on the plus strand (C>A on the coding strand, the complement: CEP120 is on the minus strand). VCF-style: chr5-123377473-G-T. GRCh37 (hg19) VCF-style: chr5-122713167-G-T.
Other names: c.2181C>A, p.Asp727Glu (NM_001166226.2); c.2124C>A, p.Asp708Glu (NM_001375406.1); c.2259C>A, p.Asp753Glu (NM_001375407.1, NM_153223.4); c.1686C>A, p.Asp562Glu (NM_001375408.1, NM_001375409.1); short protein forms D708E, D753E, D562E, D727E.
Identifiers: ClinVar variation 1398843 (VCV001398843.5), dbSNP rs771949596, ClinGen allele CA3386679.